The following is an entry in ClinVar:

ClinVar aggregate classification (germline): Uncertain significance (1 of 4 stars; one submission).

Conditions:
Niemann-Pick disease, type C1. Also called: NIEMANN-PICK DISEASE, VARIANT TYPE C1; NEUROVISCERAL STORAGE DISEASE WITH VERTICAL SUPRANUCLEAR OPHTHALMOPLEGIA; NIEMANN-PICK DISEASE WITH CHOLESTEROL ESTERIFICATION BLOCK; NIEMANN-PICK DISEASE WITHOUT SPHINGOMYELINASE DEFICIENCY; NIEMANN-PICK DISEASE, CHRONIC NEURONOPATHIC FORM. Identifiers: Orphanet 646, MedGen C3179455, MONDO:0009757, OMIM 257220.

Allele frequency attached by ClinVar (database versions not stated): gnomAD exomes below 0.00001.

Submission:

Labcorp Genetics (formerly Invitae), Labcorp
Classification: Uncertain significance for Niemann-Pick disease, type C1. Last evaluated: 2022-03-31. Review status: criteria provided, single submitter. Criteria: Invitae Variant Classification Sherloc (09022015). Collection method: clinical testing. Allele origin: germline.
Comment: This sequence change replaces serine, which is neutral and polar, with asparagine, which is neutral and polar, at codon 168 of the NPC1 protein (p.Ser168Asn). This variant is not present in population databases (gnomAD no frequency). This variant has not been reported in the literature in individuals affected with NPC1-related conditions. Algorithms developed to predict the effect of missense changes on protein structure and function (SIFT, PolyPhen-2, Align-GVGD) all suggest that this variant is likely to be tolerated. In summary, the available evidence is currently insufficient to determine the role of this variant in disease. Therefore, it has been classified as a Variant of Uncertain Significance.

NM_000271.5(NPC1):c.503G>A (p.Ser168Asn)

Gene: NPC1 (NPC intracellular cholesterol transporter 1; minus strand). Cytogenetic location: 18q11.2.
Variant type: single nucleotide variant.
Coding change: c.503G>A on transcript NM_000271.5 (MANE Select); coding-DNA position 503, G replaced by A.
Protein change: p.Ser168Asn; replaces serine 168 with asparagine.
Molecular consequence: missense variant.
Genome position (GRCh38, 1-based): chr18:23,561,488, C>T on the plus strand (G>A on the coding strand, the complement: NPC1 is on the minus strand). VCF-style: chr18-23561488-C-T. GRCh37 (hg19) VCF-style: chr18-21141452-C-T.
Other names: short protein forms S168N.
Identifiers: ClinVar variation 1380121 (VCV001380121.3), dbSNP rs2145485415, ClinGen allele CA401782810.